The following is an entry in ClinVar:

ClinVar aggregate classification (germline): Likely benign. Review status: criteria provided, multiple submitters, no conflicts (2 of 4 stars). 6 submissions from 6 submitters: Likely benign (6). Last evaluated 2026-05-25.

Conditions:
Hypertrophic cardiomyopathy 14. Identifiers: MedGen C2750467, MONDO:0013197, OMIM 613251.
MYH6-related disorder. Also called: MYH6-related condition; MYH6-Related Disorders.
Cardiovascular phenotype. Identifiers: MedGen CN230736.

Allele frequency attached by ClinVar (database versions not stated): gnomAD exomes 0.00004 and 0.00010; ExAC 0.00015; gnomAD 0.00020 and 0.00022; TOPMed 0.00031; ESP Exome Variant Server 0.00038; 1000 Genomes Project 0.00040; 1000 Genomes Project 30x 0.00062.
gnomAD v4.1: 93 of 1,614,172 alleles (0.0058%); highest among the groups gnomAD compares: African/African-American, 0.068%; no homozygotes.

Submissions (6):

Women's Health and Genetics/Laboratory Corporation of America, LabCorp
Classification: Likely benign. Last evaluated: 2026-05-25. Review status: criteria provided, single submitter. Criteria: LabCorp Variant Classification Summary - May 2015. Collection method: clinical testing. Allele origin: germline.

Labcorp Genetics (formerly Invitae), Labcorp
Classification: Likely benign for Hypertrophic cardiomyopathy 14. Last evaluated: 2025-12-09. Review status: criteria provided, single submitter. Criteria: Invitae Variant Classification Sherloc (09022015). Collection method: clinical testing. Allele origin: germline.

PreventionGenetics, part of Exact Sciences
Classification: Likely benign for MYH6-related condition. Last evaluated: 2025-06-06. Review status: criteria provided, single submitter. Criteria: ACMG Guidelines, 2015. Collection method: clinical testing. Allele origin: germline.
Comment: This variant is classified as likely benign based on ACMG/AMP sequence variant interpretation guidelines (Richards et al. 2015 PMID: 25741868, with internal and published modifications).

Ambry Genetics
Classification: Likely benign for Cardiovascular phenotype. Last evaluated: 2025-02-20. Review status: criteria provided, single submitter. Criteria: Ambry Variant Classification Scheme 2023. Collection method: clinical testing. Allele origin: germline.

Blueprint Genetics
Classification: Likely benign. Last evaluated: 2024-08-15. Review status: criteria provided, single submitter. Criteria: ACMG Guidelines, 2015. Collection method: clinical testing. Allele origin: germline.

GeneDx
Classification: Likely benign. Last evaluated: 2020-06-26. Review status: criteria provided, single submitter. Criteria: GeneDx Variant Classification Process June 2021. Collection method: clinical testing. Allele origin: germline. Affected: yes.
Comment: This variant is associated with the following publications: (PMID: 25447171)

Literature cited by the submitters: PubMed 25447171 (cited by Ambry Genetics).

NM_002471.4(MYH6):c.5201C>T (p.Ser1734Leu)

Gene: MYH6 (myosin heavy chain 6; minus strand). Cytogenetic location: 14q11.2.
Variant type: single nucleotide variant.
Coding change: c.5201C>T on transcript NM_002471.4 (MANE Select); coding-DNA position 5201, C replaced by T.
Protein change: p.Ser1734Leu; replaces serine 1734 with leucine.
Molecular consequence: missense variant.
Genome position (GRCh38, 1-based): chr14:23,385,004, G>A on the plus strand (C>T on the coding strand, the complement: MYH6 is on the minus strand). VCF-style: chr14-23385004-G-A. GRCh37 (hg19) VCF-style: chr14-23854213-G-A.
Other names: short protein forms S1734L.
Identifiers: ClinVar variation 519104 (VCV000519104.23), dbSNP rs151324358, ClinGen allele CA7114511.